The following is an entry in ClinVar:

ClinVar aggregate classification (germline): Uncertain significance (1 of 4 stars; one submission).

Submission:

Labcorp Genetics (formerly Invitae), Labcorp
Classification: Uncertain significance. Last evaluated: 2022-07-05. Review status: criteria provided, single submitter. Criteria: Invitae Variant Classification Sherloc (09022015). Collection method: clinical testing. Allele origin: germline.
Comment: In summary, the available evidence is currently insufficient to determine the role of this variant in disease. Therefore, it has been classified as a Variant of Uncertain Significance. Algorithms developed to predict the effect of sequence changes on RNA splicing suggest that this variant may create or strengthen a splice site. Advanced modeling of protein sequence and biophysical properties (such as structural, functional, and spatial information, amino acid conservation, physicochemical variation, residue mobility, and thermodynamic stability) performed at Invitae indicates that this missense variant is not expected to disrupt FLNB protein function. This variant has not been reported in the literature in individuals affected with FLNB-related conditions. This variant is not present in population databases (gnomAD no frequency). This sequence change replaces valine, which is neutral and non-polar, with phenylalanine, which is neutral and non-polar, at codon 1652 of the FLNB protein (p.Val1652Phe).

NM_001457.4(FLNB):c.4954G>T (p.Val1652Phe)

Gene: FLNB (filamin B; plus strand). Cytogenetic location: 3p14.3.
Variant type: single nucleotide variant.
Coding change: c.4954G>T on transcript NM_001457.4 (MANE Select); coding-DNA position 4954, G replaced by T.
Protein change: p.Val1652Phe; replaces valine 1652 with phenylalanine.
Molecular consequence: missense variant.
Genome position (GRCh38, 1-based): chr3:58,138,374, G>T. VCF-style: chr3-58138374-G-T. GRCh37 (hg19) VCF-style: chr3-58124101-G-T.
Other names: c.5047G>T, p.Val1683Phe (NM_001164317.2); c.4954G>T, p.Val1652Phe (NM_001164318.2, NM_001164319.2); short protein forms V1652F, V1683F.
Identifiers: ClinVar variation 2023988 (VCV002023988.4), dbSNP rs2097320228, ClinGen allele CA353352894.